The following is an entry in ClinVar:

NM_000435.3(NOTCH3):c.1888A>G (p.Thr630Ala)

Gene: NOTCH3 (notch receptor 3; minus strand). Cytogenetic location: 19p13.12.
Variant type: single nucleotide variant.
Coding change: c.1888A>G on transcript NM_000435.3 (MANE Select); coding-DNA position 1888, A replaced by G.
Protein change: p.Thr630Ala; replaces threonine 630 with alanine.
Molecular consequence: missense variant.
Genome position (GRCh38, 1-based): chr19:15,186,941, T>C on the plus strand (A>G on the coding strand, the complement: NOTCH3 is on the minus strand). VCF-style: chr19-15186941-T-C. GRCh37 (hg19) VCF-style: chr19-15297752-T-C.
Other names: short protein forms T630A.
Identifiers: ClinVar variation 3684674 (VCV003684674.2).

ClinVar aggregate classification (germline): Uncertain significance (1 of 4 stars; one submission).

gnomAD v4.1: 2 of 1,613,972 alleles (0.00012%); highest among the groups gnomAD compares: African/African-American, 0.0027%; no homozygotes.

Submission:

Labcorp Genetics (formerly Invitae), Labcorp
Classification: Uncertain significance. Last evaluated: 2024-08-12. Review status: criteria provided, single submitter. Criteria: Invitae Variant Classification Sherloc (09022015). Collection method: clinical testing. Allele origin: germline.
Comment: This sequence change replaces threonine, which is neutral and polar, with alanine, which is neutral and non-polar, at codon 630 of the NOTCH3 protein (p.Thr630Ala). This variant is not present in population databases (gnomAD no frequency). This variant has not been reported in the literature in individuals affected with NOTCH3-related conditions. Advanced modeling of protein sequence and biophysical properties (such as structural, functional, and spatial information, amino acid conservation, physicochemical variation, residue mobility, and thermodynamic stability) performed at Invitae indicates that this missense variant is not expected to disrupt NOTCH3 protein function with a negative predictive value of 95%. In summary, the available evidence is currently insufficient to determine the role of this variant in disease. Therefore, it has been classified as a Variant of Uncertain Significance.